The following is an entry in ClinVar:

ClinVar aggregate classification (germline): Pathogenic (1 of 4 stars; one submission).

Conditions:
Hereditary cancer-predisposing syndrome. Also called: Tumor predisposition; Hereditary Cancer Syndrome; Hereditary neoplastic syndrome; Neoplastic Syndromes, Hereditary. Identifiers: Orphanet 140162, MedGen C0027672, MeSH D009386, MONDO:0015356.

Submission:

Ambry Genetics
Classification: Pathogenic for Hereditary cancer-predisposing syndrome. Last evaluated: 2023-08-18. Review status: criteria provided, single submitter. Criteria: Ambry Variant Classification Scheme 2023. Collection method: clinical testing. Allele origin: germline.
Comment: The c.376_377delCG pathogenic mutation, located in coding exon 4 of the MUTYH gene, results from a deletion of two nucleotides at nucleotide positions 376 to 377, causing a translational frameshift with a predicted alternate stop codon (p.R126Gfs*126). This variant is considered to be rare based on population cohorts in the Genome Aggregation Database (gnomAD). This alteration is expected to result in loss of function by premature protein truncation or nonsense-mediated mRNA decay. As such, this alteration is interpreted as a disease-causing mutation.

NM_001048174.2(MUTYH):c.292_293del (p.Arg98fs)

Gene: MUTYH (mutY DNA glycosylase; minus strand). Cytogenetic location: 1p34.1.
Variant type: Deletion.
Coding change: c.292_293del on transcript NM_001048174.2 (MANE Select); coding-DNA positions 292 to 293, 2 bases deleted (CG; older notation c.292_293delCG).
Protein change: p.Arg98fs; shifts the reading frame from arginine 98.
Molecular consequence: frameshift variant. On other transcripts: non-coding transcript variant (7).
Genome position (GRCh38, 1-based): chr1:45,333,296-45,333,297, CG deleted on the plus strand (CG on the coding strand, the reverse complement: MUTYH is on the minus strand); deleting any 2 consecutive bases within chr1:45,333,296-45,333,298 gives the same sequence; the c. name uses the placement nearest the transcript's 3' end. VCF-style (leftmost placement, unchanged base first): chr1-45333295-CCG-C. GRCh37 (hg19) VCF-style: chr1-45798967-CCG-C.
Other names: c.292_293del, p.Arg98fs (NM_001048171.2, NM_001048173.2, NM_001293195.2 and 6 more transcripts); c.295_296del, p.Arg99fs (NM_001048172.2, NM_001407071.1, NM_001407078.1 and 2 more transcripts); c.376_377del, p.Arg126fs (NM_001128425.2); c.337_338del, p.Arg113fs (NM_001293190.2); c.325_326del, p.Arg109fs (NM_001293191.2, NM_001407077.1); c.16_17del, p.Arg6fs (NM_001293192.2, NM_001293196.2, NM_001407091.1); c.21_22del, p.Gly8fs (NM_001350650.2, NM_001350651.2, NM_001407082.1); c.367_368del, p.Arg123fs (NM_001407069.1, NM_012222.3); and 4 more; short protein forms R112fs, R70fs, G8fs, R6fs, R99fs, R109fs, R126fs, R105fs.
Identifiers: ClinVar variation 2587453 (VCV002587453.2), dbSNP rs2524246510, ClinGen allele CA2582341918.